The following is an entry in ClinVar:

NM_021815.5(SLC5A7):c.1498T>C (p.Tyr500His)

Gene: SLC5A7 (solute carrier family 5 member 7; plus strand). Cytogenetic location: 2q12.3.
Variant type: single nucleotide variant.
Coding change: c.1498T>C on transcript NM_021815.5 (MANE Select); coding-DNA position 1498, T replaced by C.
Protein change: p.Tyr500His; replaces tyrosine 500 with histidine.
Molecular consequence: missense variant.
Genome position (GRCh38, 1-based): chr2:108,010,616, T>C. VCF-style: chr2-108010616-T-C. GRCh37 (hg19) VCF-style: chr2-108627072-T-C.
Other names: c.1498T>C, p.Tyr500His (NM_001305005.3); c.1183T>C, p.Tyr395His (NM_001305006.3); c.757T>C, p.Tyr253His (NM_001305007.3); short protein forms Y395H, Y500H, Y253H.
Identifiers: ClinVar variation 2933639 (VCV002933639.3), dbSNP rs1391485107, ClinGen allele CA348114709.

ClinVar aggregate classification (germline): Uncertain significance (1 of 4 stars; one submission).

Conditions:
Congenital myasthenic syndrome 20. Also called: Myasthenic syndrome, congenital, 20, presynaptic. Identifiers: MedGen C4310694, MONDO:0014939, OMIM 617143.
Neuronopathy, distal hereditary motor, type 7A. Also called: Neuronopathy, distal hereditary motor, type viia; HARPER-YOUNG MYOPATHY; HMN VIIA; NEURONOPATHY, DISTAL HEREDITARY MOTOR, HARDING TYPE VIIA; NEUROPATHY, DISTAL HEREDITARY MOTOR, HARDING TYPE VIIA; Neuronopathy, distal hereditary motor, autosomal dominant 7. Identifiers: Orphanet 139589, MedGen C1834703, MONDO:0008024, OMIM 158580.

Allele frequency attached by ClinVar (database versions not stated): gnomAD exomes below 0.00001; 1000 Genomes Project 30x 0.00016.
gnomAD v4.1: 1 of 1,614,026 alleles (0.000062%); highest among the groups gnomAD compares: Non-Finnish European, 0.000085%; no homozygotes.

Submission:

Labcorp Genetics (formerly Invitae), Labcorp
Classification: Uncertain significance for Neuronopathy, distal hereditary motor, type 7A; Congenital myasthenic syndrome 20. Last evaluated: 2023-05-13. Review status: criteria provided, single submitter. Criteria: Invitae Variant Classification Sherloc (09022015). Collection method: clinical testing. Allele origin: germline.
Comment: This variant is present in population databases (no rsID available, gnomAD 0.007%). This sequence change replaces tyrosine, which is neutral and polar, with histidine, which is basic and polar, at codon 500 of the SLC5A7 protein (p.Tyr500His). This variant has not been reported in the literature in individuals affected with SLC5A7-related conditions. In summary, the available evidence is currently insufficient to determine the role of this variant in disease. Therefore, it has been classified as a Variant of Uncertain Significance. Advanced modeling of protein sequence and biophysical properties (such as structural, functional, and spatial information, amino acid conservation, physicochemical variation, residue mobility, and thermodynamic stability) performed at Invitae indicates that this missense variant is not expected to disrupt SLC5A7 protein function.